The following is an entry in ClinVar:

NM_020779.4(WDR35):c.2780G>A (p.Arg927Gln)

Gene: WDR35 (WD repeat domain 35; minus strand). Cytogenetic location: 2p24.1.
Variant type: single nucleotide variant.
Coding change: c.2780G>A on transcript NM_020779.4 (MANE Select); coding-DNA position 2780, G replaced by A.
Protein change: p.Arg927Gln; replaces arginine 927 with glutamine.
Molecular consequence: missense variant.
Genome position (GRCh38, 1-based): chr2:19,932,326, C>T on the plus strand (G>A on the coding strand, the complement: WDR35 is on the minus strand). VCF-style: chr2-19932326-C-T. GRCh37 (hg19) VCF-style: chr2-20132087-C-T.
Other names: c.2813G>A, p.Arg938Gln (NM_001006657.2); short protein forms R938Q, R927Q.
Identifiers: ClinVar variation 1471421 (VCV001471421.4), dbSNP rs754997630, ClinGen allele CA1542843.
Genomic context (GRCh38, chr2:19,932,326, plus strand): 5'-CAAGATTTTTACATTACCTTAAACATCAGTTTAGCTGCATCAAAAAAGTAATTGGCTTTC[C>T]GATAGAGTTCTATGGCATCAAGAGTTTTATTCTTTTCCAGTAAATGAGATGCATACCTAG-3'
Protein context (NP_065830.2, residues 917-937): NKTLDAIELY[Arg927Gln]KANYFFDAAK

ClinVar aggregate classification (germline): Uncertain significance. Review status: criteria provided, multiple submitters, no conflicts (2 of 4 stars). 2 submissions from 2 submitters: Uncertain significance (2). Last evaluated 2024-01-22.

Conditions:
Short-rib thoracic dysplasia 7 with or without polydactyly (SRTD7). Also called: Short rib polydactyly syndrome 5; SHORT-RIB THORACIC DYSPLASIA 7 WITH POLYDACTYLY. Identifiers: Orphanet 498497, Orphanet 93271, MedGen C3279792, MONDO:0013569, OMIM 614091.
Cranioectodermal dysplasia 2 (CED2). Identifiers: Orphanet 1515, MedGen C3150874, MONDO:0013323, OMIM 613610.

Allele frequency attached by ClinVar (database versions not stated): gnomAD 0.00001; gnomAD exomes 0.00001 and 0.00004; ExAC 0.00002.
gnomAD v4.1: 16 of 1,613,098 alleles (0.00099%); highest among the groups gnomAD compares: Admixed American, 0.005%; no homozygotes.

Submissions (2):

Fulgent Genetics
Classification: Uncertain significance for Cranioectodermal dysplasia 2; Short-rib thoracic dysplasia 7 with or without polydactyly. Last evaluated: 2024-01-22. Review status: criteria provided, single submitter. Criteria: ACMG Guidelines, 2015. Collection method: clinical testing. Allele origin: germline.

Labcorp Genetics (formerly Invitae), Labcorp
Classification: Uncertain significance for Cranioectodermal dysplasia 2; Short-rib thoracic dysplasia 7 with or without polydactyly. Last evaluated: 2022-07-19. Review status: criteria provided, single submitter. Criteria: Invitae Variant Classification Sherloc (09022015). Collection method: clinical testing. Allele origin: germline.
Comment: This sequence change replaces arginine, which is basic and polar, with glutamine, which is neutral and polar, at codon 938 of the WDR35 protein (p.Arg938Gln). This variant is present in population databases (rs754997630, gnomAD 0.01%). This variant has not been reported in the literature in individuals affected with WDR35-related conditions. ClinVar contains an entry for this variant (Variation ID: 1471421). Algorithms developed to predict the effect of missense changes on protein structure and function (SIFT, PolyPhen-2, Align-GVGD) all suggest that this variant is likely to be tolerated. Algorithms developed to predict the effect of sequence changes on RNA splicing suggest that this variant may create or strengthen a splice site. In summary, the available evidence is currently insufficient to determine the role of this variant in disease. Therefore, it has been classified as a Variant of Uncertain Significance.